The following is an entry in ClinVar:

NM_001034853.2(RPGR):c.3457T>A (p.Ter1153Lys)

Gene: RPGR (retinitis pigmentosa GTPase regulator; minus strand). Cytogenetic location: Xp11.4.
Variant type: single nucleotide variant.
Coding change: c.3457T>A on transcript NM_001034853.2 (MANE Select); coding-DNA position 3457, T replaced by A.
Protein change: p.Ter1153Lys.
Molecular consequence: stop lost. On other transcripts: intron variant (8).
Genome position (GRCh38, 1-based): chrX:38,285,542, A>T on the plus strand (T>A on the coding strand, the complement: RPGR is on the minus strand). VCF-style: chrX-38285542-A-T. GRCh37 (hg19) VCF-style: chrX-38144795-A-T.
Other names: *1153K; NM_001034853.2(RPGR):c.3457T>A; p.Ter1153Lys; c.1569+5417T>A (NM_001367249.1, NM_001367250.1); c.1902+1552T>A (NM_001367245.1); c.1386+5417T>A (NM_001367251.1); c.1719+1552T>A (NM_001367246.1); c.1572+5417T>A (NM_001367247.1); and 2 more.
Identifiers: ClinVar variation 931960 (VCV000931960.3), dbSNP rs2067111489, ClinGen allele CA412725857.

ClinVar aggregate classification (germline): Likely pathogenic. Review status: reviewed by expert panel (3 of 4 stars). 2 submissions from 2 submitters: Likely pathogenic (1). 1 of the submissions does not count toward it. Last evaluated 2025-05-20.

Conditions:
Retinitis pigmentosa 3. Also called: CHOROIDORETINAL DEGENERATION WITH RETINAL REFLEX IN HETEROZYGOUS WOMEN. Identifiers: Orphanet 791, MedGen C1845667, MONDO:0010227, OMIM 300029.
RPGR-related retinopathy. Also called: RPGR retinopathy. Identifiers: MedGen CN305589, MONDO:0100437.

Submissions (2):

ClinGen X-linked Inherited Retinal Disease Variant Curation Expert Panel, ClinGen
Classification: Likely pathogenic for RPGR-related retinopathy. Last evaluated: 2025-05-20. Review status: reviewed by expert panel. Criteria: ClinGen X LinkedIRD ACMG Specifications RPGR V1.0.0. Collection method: curation. Allele origin: germline. Inheritance: X-linked inheritance.
Comment: NM_001034853.2(RPGR):c.3457T>A (p.Ter1153Lys) is a stop-loss variant that disrupts the stop codon at the end of exon 15 and is predicted to result in extension of the RPGR C-terminus by 38 additional amino acids before the occurrence of the next stop codon (PM4_strong). This variant is absent from hemizygous individuals in gnomAD v4.1.0 (PM2_supporting). At least one proband harboring this variant exhibits a phenotype including early onset (1 pt) family history consistent with X-linked inheritance (2 pts), exome sequencing-based genotyping excluding other causes of retinal disease (2 pts), myopia (0.5 pts), loss of central visual acuity (0.5 pts), difficulties in color discrimination (0.5 pts), night blindness (0.5 pts), retinal pigment epithelium mottling (0.5 pts), and optic disc pallor (0.5 pts), which together are highly specific for RPGR-related retinopathy (8 points, PMID: 33805381, PP4_moderate). This variant has been reported in at least 2 apparently probands meeting the PS4 requirement of some functional vision impairment in affected males by age 30, or decreased/absent cone and/or rod electrogram responses. However, PS4_supporting was not met because the probands appear to have a shared ancestor (PMIDs: 33805381). The variant has been reported to segregate with retinal dystrophy through more than 2 affected meioses from 1 family (PP1; PMID: 33805381). Another variant in the same codon, NM_001034853.2:c.3457T>A (p.Ter1153Lysext*38), has been reported in association with RPGR-related retinopathy (PMID: 36835250). Both variants are predicted to extend the C-terminus of RPGR by 38 residues in the same frame, however, they replace the start codon with serine and lysine, respectively. PM5_Supporting has not been considered for this variant in order to avoid circularity. In summary, this variant is classified as likely pathogenic for RPGR-related retinopathy based on the ClinGen X-linked Inherited Retinal Disease Expert Panel Specifications to the ACMG/AMP Variant Interpretation Guidelines for RPGR Version 1.0.0; PM2_supporting, PM4_strong, PP1_moderate, PP4_moderate. (date of approval 05/16/2025).

Centre for Mendelian Genomics, University Medical Centre Ljubljana
Classification: Likely pathogenic for Retinitis pigmentosa 3. Last evaluated: 2019-08-22. Review status: criteria provided, single submitter. Criteria: ACMG Guidelines, 2015. Collection method: clinical testing. Allele origin: unknown. Affected: yes. Not counted in ClinVar's aggregate classification.
Comment: This variant was classified as: Likely pathogenic. The following ACMG criteria were applied in classifying this variant: PM2,PM4,PP4,PP5. This variant was detected in hemizygous state.